The following is an entry in ClinVar:

ClinVar aggregate classification (germline): Uncertain significance. Review status: criteria provided, multiple submitters, no conflicts (2 of 4 stars). 3 submissions from 3 submitters: Uncertain significance (3). Last evaluated 2023-12-06.

Conditions:
Inborn genetic diseases. Identifiers: MedGen C0950123, MeSH D030342.
Chondrosarcoma. Also called: Chondrosarcoma, somatic. Identifiers: Orphanet 55880, MedGen C0008479, MONDO:0008977, OMIM 215300, HP:0006765.
Multiple congenital exostosis (EXT). Also called: Hereditary multiple osteochondromas; Hereditary multiple exostoses; Hereditary multiple exostosis; Multiple osteochondromas; Multiple exostoses; MULTIPLE CARTILAGINOUS EXOSTOSES. Identifiers: Orphanet 321, MedGen C0015306, MONDO:0005508, HP:0002762.

Allele frequency attached by ClinVar (database versions not stated): ExAC 0.00001; TOPMed 0.00007.
gnomAD v4.1: 14 of 1,614,032 alleles (0.00087%); highest among the groups gnomAD compares: African/African-American, 0.013%; no homozygotes.

Submissions (3):

Ambry Genetics
Classification: Uncertain significance for Inborn genetic diseases. Last evaluated: 2023-12-06. Review status: criteria provided, single submitter. Criteria: Ambry Variant Classification Scheme 2023. Collection method: clinical testing. Allele origin: germline.

Baylor Genetics
Classification: Uncertain significance for Chondrosarcoma. Last evaluated: 2023-05-31. Review status: criteria provided, single submitter. Criteria: ACMG Guidelines, 2015. Collection method: clinical testing. Allele origin: unknown.

Labcorp Genetics (formerly Invitae), Labcorp
Classification: Uncertain significance for Multiple congenital exostosis. Last evaluated: 2023-05-16. Review status: criteria provided, single submitter. Criteria: Invitae Variant Classification Sherloc (09022015). Collection method: clinical testing. Allele origin: germline.
Comment: In summary, the available evidence is currently insufficient to determine the role of this variant in disease. Therefore, it has been classified as a Variant of Uncertain Significance. Advanced modeling of protein sequence and biophysical properties (such as structural, functional, and spatial information, amino acid conservation, physicochemical variation, residue mobility, and thermodynamic stability) performed at Invitae indicates that this missense variant is not expected to disrupt EXT1 protein function. ClinVar contains an entry for this variant (Variation ID: 1423484). This variant has not been reported in the literature in individuals affected with EXT1-related conditions. This variant is present in population databases (rs747020325, gnomAD 0.007%). This sequence change replaces isoleucine, which is neutral and non-polar, with valine, which is neutral and non-polar, at codon 380 of the EXT1 protein (p.Ile380Val).

NM_000127.3(EXT1):c.1138A>G (p.Ile380Val)

Gene: EXT1 (exostosin glycosyltransferase 1; minus strand). Cytogenetic location: 8q24.11.
Variant type: single nucleotide variant.
Coding change: c.1138A>G on transcript NM_000127.3 (MANE Select); coding-DNA position 1138, A replaced by G.
Protein change: p.Ile380Val; replaces isoleucine 380 with valine.
Molecular consequence: missense variant.
Genome position (GRCh38, 1-based): chr8:117,835,470, T>C on the plus strand (A>G on the coding strand, the complement: EXT1 is on the minus strand). VCF-style: chr8-117835470-T-C. GRCh37 (hg19) VCF-style: chr8-118847709-T-C.
Other names: c.1138A>G (NM_000127.2); short protein forms I380V.
Identifiers: ClinVar variation 1423484 (VCV001423484.8), dbSNP rs747020325, ClinGen allele CA4854232.